The following is an entry in ClinVar:

ClinVar aggregate classification (germline): Uncertain significance (1 of 4 stars; one submission).

gnomAD v4.1: 1 of 1,613,028 alleles (0.000062%); no homozygotes.

Submission:

Labcorp Genetics (formerly Invitae), Labcorp
Classification: Uncertain significance. Last evaluated: 2023-12-22. Review status: criteria provided, single submitter. Criteria: Invitae Variant Classification Sherloc (09022015). Collection method: clinical testing. Allele origin: germline.
Comment: This sequence change replaces valine, which is neutral and non-polar, with leucine, which is neutral and non-polar, at codon 216 of the TNK2 protein (p.Val216Leu). This variant is not present in population databases (gnomAD no frequency). This variant has not been reported in the literature in individuals affected with TNK2-related conditions. An algorithm developed to predict the effect of missense changes on protein structure and function (PolyPhen-2) suggests that this variant is likely to be tolerated. In summary, the available evidence is currently insufficient to determine the role of this variant in disease. Therefore, it has been classified as a Variant of Uncertain Significance.

NM_001382273.1(TNK2):c.457G>T (p.Val153Leu)

Gene: TNK2 (tyrosine kinase non receptor 2; minus strand). Cytogenetic location: 3q29.
Variant type: single nucleotide variant.
Coding change: c.457G>T on transcript NM_001382273.1 (MANE Select); coding-DNA position 457, G replaced by T.
Protein change: p.Val153Leu; replaces valine 153 with leucine.
Molecular consequence: missense variant. On other transcripts: non-coding transcript variant (15).
Genome position (GRCh38, 1-based): chr3:195,883,309, C>A on the plus strand (G>T on the coding strand, the complement: TNK2 is on the minus strand). VCF-style: chr3-195883309-C-A. GRCh37 (hg19) VCF-style: chr3-195610180-C-A.
Other names: c.529G>T, p.Val177Leu (NM_001387708.1, NM_001387715.1, NM_001010938.2 and 1 more transcripts); c.457G>T, p.Val153Leu (NM_001387709.1, NM_001387710.1, NM_001387711.1 and 12 more transcripts); c.553G>T, p.Val185Leu (NM_001308046.2, NM_001382271.1, NM_001382275.1 and 1 more transcripts); short protein forms V177L, V185L, V153L.
Identifiers: ClinVar variation 2805580 (VCV002805580.3), dbSNP rs2475266414, ClinGen allele CA355582058.
Genomic context (GRCh38, chr3:195,883,309, plus strand): 5'-CGTCCATGGCTTCTGGCTGGCTCAGGACATCGGGCTTCAGGCACTTCACAGCCACACTCA[C>A]CTGCCCAGAGCGGGATTTGCAAGGACTCAGGACTTGCCAGGTCCCAGACACGCGGAGCCA-3'
Protein context (NP_001369202.1, residues 143-163): GEWDAPSGKT[Val153Leu]SVAVKCLKPD